The following is an entry in ClinVar:

ClinVar aggregate classification (germline): Uncertain significance (1 of 4 stars; one submission).

Conditions:
Cardiovascular phenotype. Identifiers: MedGen CN230736.

Allele frequency attached by ClinVar (database versions not stated): ExAC 0.00001; gnomAD 0.00001; 1000 Genomes Project 30x 0.00016; 1000 Genomes Project 0.00020.
gnomAD v4.1: 1 of 1,612,778 alleles (0.000062%); highest among the groups gnomAD compares: African/African-American, 0.0013%; no homozygotes.

Submission:

Ambry Genetics
Classification: Uncertain significance for Cardiovascular phenotype. Last evaluated: 2019-12-04. Review status: criteria provided, single submitter. Criteria: Ambry Variant Classification Scheme 2023. Collection method: clinical testing. Allele origin: germline.
Comment: The p.E22942D variant (also known as c.68826A>C), located in coding exon 172 of the TTN gene, results from an A to C substitution at nucleotide position 68826. The glutamic acid at codon 22942 is replaced by aspartic acid, an amino acid with highly similar properties. This amino acid position is highly conserved in available vertebrate species. In addition, this alteration is predicted to be tolerated by in silico analysis. Since supporting evidence is limited at this time, the clinical significance of this alteration remains unclear.

NM_001267550.2(TTN):c.96021A>C (p.Glu32007Asp)

Genes: TTN (titin; minus strand), TTN-AS1 (TTN antisense RNA 1; plus strand). Cytogenetic location: 2q31.2.
Variant type: single nucleotide variant.
Coding change: c.96021A>C on transcript NM_001267550.2 (MANE Select); coding-DNA position 96021, A replaced by C.
Protein change: p.Glu32007Asp; replaces glutamic acid 32007 with aspartic acid.
Molecular consequence: missense variant.
Genome position (GRCh38, 1-based): chr2:178,544,208, T>G on the plus strand (A>C on the coding strand, the complement: TTN is on the minus strand). VCF-style: chr2-178544208-T-G. GRCh37 (hg19) VCF-style: chr2-179408935-T-G.
Other names: c.91098A>C, p.Glu30366Asp (NM_001256850.1); c.68826A>C, p.Glu22942Asp (NM_003319.4); c.88317A>C, p.Glu29439Asp (NM_133378.4); c.69201A>C, p.Glu23067Asp (NM_133432.3); c.69402A>C, p.Glu23134Asp (NM_133437.4); short protein forms E30366D, E22942D, E23067D, E32007D, E23134D, E29439D.
Identifiers: ClinVar variation 1755953 (VCV001755953.2), dbSNP rs569522219, ClinGen allele CA1986838.
Genomic context (GRCh38, chr2:178,544,208, plus strand): 5'-ATGGACAGGTGTGAGAAGAAAATAATTCACCTAAAAGCTTCTGTGATAAATACCTATTCT[T>G]TCCACGGGCTCAATTTCAGCAATTGATTCGCTGTATTCGCTCATACCCTTCACGTTCACG-3'
Protein context (NP_001254479.2, residues 31997-32017): SESIAEIEPV[Glu32007Asp]RIEIPDLELA